The following is an entry in ClinVar:

ClinVar aggregate classification (germline): Uncertain significance. Review status: criteria provided, multiple submitters, no conflicts (2 of 4 stars). 3 submissions from 3 submitters: Uncertain significance (3). Last evaluated 2024-05-02.

Conditions:
Inborn genetic diseases. Identifiers: MedGen C0950123, MeSH D030342.

Allele frequency attached by ClinVar (database versions not stated): ExAC 0.00001; gnomAD 0.00001; gnomAD exomes 0.00001 and 0.00002; TOPMed 0.00002.
gnomAD v4.1: 9 of 1,613,872 alleles (0.00056%); highest among the groups gnomAD compares: Admixed American, 0.015%; no homozygotes.

Submissions (3):

Ambry Genetics
Classification: Uncertain significance for Inborn genetic diseases. Last evaluated: 2024-05-02. Review status: criteria provided, single submitter. Criteria: Ambry Variant Classification Scheme 2023. Collection method: clinical testing. Allele origin: germline.

Labcorp Genetics (formerly Invitae), Labcorp
Classification: Uncertain significance. Last evaluated: 2022-02-01. Review status: criteria provided, single submitter. Criteria: Invitae Variant Classification Sherloc (09022015). Collection method: clinical testing. Allele origin: germline.
Comment: This sequence change replaces isoleucine, which is neutral and non-polar, with methionine, which is neutral and non-polar, at codon 301 of the TRPM1 protein (p.Ile301Met). This variant is present in population databases (rs752408390, gnomAD 0.02%). This variant has not been reported in the literature in individuals affected with TRPM1-related conditions. ClinVar contains an entry for this variant (Variation ID: 1021895). Algorithms developed to predict the effect of missense changes on protein structure and function (SIFT, PolyPhen-2, Align-GVGD) all suggest that this variant is likely to be tolerated. In summary, the available evidence is currently insufficient to determine the role of this variant in disease. Therefore, it has been classified as a Variant of Uncertain Significance.

Blueprint Genetics
Classification: Uncertain significance. Last evaluated: 2021-10-14. Review status: criteria provided, single submitter. Criteria: ACMG Guidelines, 2015. Collection method: clinical testing. Allele origin: germline.

NM_001252024.2(TRPM1):c.969A>G (p.Ile323Met)

Gene: TRPM1 (transient receptor potential cation channel subfamily M member 1; minus strand). Cytogenetic location: 15q13.3.
Variant type: single nucleotide variant.
Coding change: c.969A>G on transcript NM_001252024.2 (MANE Select); coding-DNA position 969, A replaced by G.
Protein change: p.Ile323Met; replaces isoleucine 323 with methionine.
Molecular consequence: missense variant.
Genome position (GRCh38, 1-based): chr15:31,062,699, T>C on the plus strand (A>G on the coding strand, the complement: TRPM1 is on the minus strand). VCF-style: chr15-31062699-T-C. GRCh37 (hg19) VCF-style: chr15-31354902-T-C.
Other names: c.1020A>G, p.Ile340Met (NM_001252020.2); c.903A>G, p.Ile301Met (NM_002420.6); c.903A>G (NM_002420.4); short protein forms I301M, I323M, I340M.
Identifiers: ClinVar variation 1021895 (VCV001021895.7), dbSNP rs752408390, ClinGen allele CA7452727.